The following is an entry in ClinVar:

NM_001423531.1(FAM90A12):c.1083G>C (p.Arg361=)

Gene: FAM90A12 (family with sequence similarity 90 member A12; minus strand). Cytogenetic location: 8p23.1.
Variant type: single nucleotide variant.
Coding change: c.1083G>C on transcript NM_001423531.1 (MANE Select); coding-DNA position 1083, G replaced by C.
Protein change: p.Arg361=; no amino-acid change (arginine 361 retained).
Molecular consequence: synonymous variant.
Genome position (GRCh38, 1-based): chr8:8,027,948, C>G on the plus strand (G>C on the coding strand, the complement: FAM90A12 is on the minus strand). VCF-style: chr8-8027948-C-G. GRCh37 (hg19) VCF-style: chr8-7885470-C-G.
Identifiers: ClinVar variation 3771062 (VCV003771062.13).

ClinVar aggregate classification (germline): Likely benign (1 of 4 stars; one submission).

Submission:

CeGaT Center for Human Genetics Tuebingen
Classification: Likely benign. Last evaluated: 2024-12-01. Review status: criteria provided, single submitter. Criteria: CeGaT Center For Human Genetics Tuebingen Variant Classification Criteria Version 2. Collection method: clinical testing. Allele origin: germline. Affected: yes. Observed: 1 variant allele.
Comment: FAM90A12: BP4